The following is an entry in ClinVar:

NM_001379286.1(ZNF423):c.1561G>T (p.Gly521Cys)

Gene: ZNF423 (zinc finger protein 423; minus strand). Cytogenetic location: 16q12.1.
Variant type: single nucleotide variant.
Coding change: c.1561G>T on transcript NM_001379286.1 (MANE Select); coding-DNA position 1561, G replaced by T.
Protein change: p.Gly521Cys; replaces glycine 521 with cysteine.
Molecular consequence: missense variant.
Genome position (GRCh38, 1-based): chr16:49,637,615, C>A on the plus strand (G>T on the coding strand, the complement: ZNF423 is on the minus strand). VCF-style: chr16-49637615-C-A. GRCh37 (hg19) VCF-style: chr16-49671526-C-A.
Other names: c.1357G>T, p.Gly453Cys (NM_001271620.2); c.1186G>T, p.Gly396Cys (NM_001330533.2); c.1537G>T, p.Gly513Cys (NM_015069.5); short protein forms G513C, G396C, G453C, G521C.
Identifiers: ClinVar variation 1957952 (VCV001957952.5), dbSNP rs201929999, ClinGen allele CA395847508.
Genomic context (GRCh38, chr16:49,637,615, plus strand): 5'-TGAGGGAGGACTCAGTAAGGAAACCCATGGAGCACTGGTTGCAGAAGAAAGCATTATTAC[C>A]GTCAGAGGGGTTGGCGTTGGGGCCGCAGTGGGAGACGCGGATGTGCTCCTGCAGGCTATT-3'
Protein context (NP_001366215.1, residues 511-531): HCGPNANPSD[Gly521Cys]NNAFFCNQCS

ClinVar aggregate classification (germline): Uncertain significance (1 of 4 stars; one submission).

Conditions:
Nephronophthisis 14 (NPHP14). Identifiers: Orphanet 2318, MedGen C3539071, MONDO:0013916, OMIM 614844.

Submission:

Labcorp Genetics (formerly Invitae), Labcorp
Classification: Uncertain significance for Nephronophthisis 14. Last evaluated: 2022-06-20. Review status: criteria provided, single submitter. Criteria: Invitae Variant Classification Sherloc (09022015). Collection method: clinical testing. Allele origin: germline.
Comment: This variant is not present in population databases (gnomAD no frequency). In summary, the available evidence is currently insufficient to determine the role of this variant in disease. Therefore, it has been classified as a Variant of Uncertain Significance. Algorithms developed to predict the effect of missense changes on protein structure and function are either unavailable or do not agree on the potential impact of this missense change (SIFT: "Deleterious"; PolyPhen-2: "Probably Damaging"; Align-GVGD: "Class C0"). This variant has not been reported in the literature in individuals affected with ZNF423-related conditions. This sequence change replaces glycine, which is neutral and non-polar, with cysteine, which is neutral and slightly polar, at codon 513 of the ZNF423 protein (p.Gly513Cys).